The following is an entry in ClinVar:

ClinVar aggregate classification (germline): Conflicting classifications of pathogenicity. Review status: criteria provided, conflicting classifications (1 of 4 stars). 16 submissions from 14 submitters: Uncertain significance (1); Benign (12); Likely benign (1). 2 of the submissions do not count toward it. Last evaluated 2026-02-04.

Conditions:
Dilated cardiomyopathy 1GG (CMD1GG). Identifiers: Orphanet 154, MedGen C3150898, MONDO:0013339, OMIM 613642.
Mitochondrial complex II deficiency, nuclear type 1. Also called: SUCCINATE CoQ REDUCTASE DEFICIENCY. Identifiers: Orphanet 3208, MedGen C5700310, MONDO:0100294, OMIM 252011.
Pheochromocytoma/paraganglioma syndrome 5. Also called: Paragangliomas 5; SDHA-Related Hereditary Paraganglioma-Pheochromocytoma Syndrome. Identifiers: Orphanet 29072, MedGen C3279992, MONDO:0013602, OMIM 614165.
Neurodegeneration with ataxia and late-onset optic atrophy. Identifiers: MedGen C5543254, MONDO:0031006, OMIM 619259.
Hereditary cancer-predisposing syndrome. Also called: Neoplastic Syndromes, Hereditary; Hereditary Cancer Syndrome; Tumor predisposition; Hereditary neoplastic syndrome. Identifiers: Orphanet 140162, MedGen C0027672, MeSH D009386, MONDO:0015356.
Hereditary pheochromocytoma and paraganglioma. Also called: Hereditary Paraganglioma-Pheochromocytoma Syndromes; Hereditary pheochromocytoma-paraganglioma; Hereditary paragangliomas and pheochromocytomas. Identifiers: Orphanet 29072, MedGen C4274332, MONDO:0017366.
Leigh syndrome (NULS). Also called: Leigh Syndrome (mtDNA deletion); LEIGH SYNDROME, NUCLEAR; Leigh Disease; Leigh's syndrome; Subacute necrotizing encephalopathy; Necrotizing encephalopathy infantile subacute of Leigh. Identifiers: Orphanet 506, MedGen C2931891, MONDO:0009723, OMIM 256000.

Allele frequency attached by ClinVar (database versions not stated): gnomAD exomes 0.00290 and 0.00495; ExAC 0.00462; 1000 Genomes Project 0.00998; gnomAD 0.01044 and 0.01114; ESP Exome Variant Server 0.01092; 1000 Genomes Project 30x 0.01093; TOPMed 0.01295.
gnomAD v4.1: 6,097 of 1,613,966 alleles (0.38%); highest among the groups gnomAD compares: African/African-American, 2.6%; 51 homozygotes.

Submissions 1 to 23 of 38:

Labcorp Genetics (formerly Invitae), Labcorp
Classification: Benign for Pheochromocytoma/paraganglioma syndrome 5; Mitochondrial complex II deficiency, nuclear type 1. Last evaluated: 2026-02-04. Review status: criteria provided, single submitter. Criteria: Invitae Variant Classification Sherloc (09022015). Collection method: clinical testing. Allele origin: germline.

ARUP Laboratories, Molecular Genetics and Genomics, ARUP Laboratories
Classification: Benign. Last evaluated: 2025-06-02. Review status: criteria provided, single submitter. Criteria: ARUP Molecular Germline Variant Investigation Process 2024. Collection method: clinical testing. Allele origin: germline.

CeGaT Center for Human Genetics Tuebingen
Classification: Benign. Last evaluated: 2025-04-01. Review status: criteria provided, single submitter. Criteria: CeGaT Center For Human Genetics Tuebingen Variant Classification Criteria Version 2. Collection method: clinical testing. Allele origin: germline. Affected: yes. Observed: 1 variant allele.
Comment: SDHA: BP4, BP7, BS1, BS2

Quest Diagnostics Nichols Institute San Juan Capistrano
Classification: Benign. Last evaluated: 2025-03-20. Review status: criteria provided, single submitter. Criteria: Quest Diagnostics criteria. Collection method: clinical testing. Allele origin: unknown.

Center for Genomic Medicine, Rigshospitalet, Copenhagen University Hospital
Classification: Benign. Last evaluated: 2025-03-04. Review status: criteria provided, single submitter. Criteria: ACMG Guidelines, 2015. Collection method: clinical testing. Allele origin: germline.

Myriad Genetics, Inc.
Classification: Benign for Pheochromocytoma/paraganglioma syndrome 5. Last evaluated: 2025-03-03. Review status: criteria provided, single submitter. Criteria: Myriad Autosomal Dominant, Autosomal Recessive and X-Linked Classification Criteria (2023). Collection method: clinical testing. Allele origin: unknown.
Comment: This variant is considered benign. This variant is a silent/synonymous amino acid change and it is not expected to impact splicing.

Mayo Clinic Laboratories, Mayo Clinic
Classification: Likely benign. Last evaluated: 2024-11-17. Review status: criteria provided, single submitter. Criteria: ACMG Guidelines, 2015. Collection method: clinical testing. Allele origin: germline. Observed: 19 variant alleles.
Comment: BS1, BP4, BP7

KCCC/NGS Laboratory, Kuwait Cancer Control Center
Classification: Benign for Pheochromocytoma/paraganglioma syndrome 5. Last evaluated: 2023-07-07. Review status: criteria provided, single submitter. Criteria: ACMG Guidelines, 2015. Collection method: clinical testing. Allele origin: germline. Affected: yes.

Department of Pathology and Laboratory Medicine, Sinai Health System
Classification: Benign for Mitochondrial complex II deficiency, nuclear type 1; Dilated cardiomyopathy 1GG; Pheochromocytoma/paraganglioma syndrome 5; Neurodegeneration with ataxia and late-onset optic atrophy. Last evaluated: 2021-10-13. Review status: criteria provided, single submitter. Criteria: ACMG Guidelines, 2015. Collection method: clinical testing. Allele origin: germline. Affected: yes.

Illumina Laboratory Services, Illumina
Classification: Uncertain significance for Mitochondrial complex II deficiency, nuclear type 1. Last evaluated: 2018-01-13. Review status: criteria provided, single submitter. Criteria: ICSL Variant Classification Criteria 13 December 2019. Collection method: clinical testing. Allele origin: germline.

Illumina Laboratory Services, Illumina
Classification: Benign for Hereditary Paraganglioma-Pheochromocytoma Syndromes. Last evaluated: 2018-01-13. Review status: criteria provided, single submitter. Criteria: ICSL Variant Classification Criteria 13 December 2019. Collection method: clinical testing. Allele origin: germline.
Comment: This variant was observed in the ICSL laboratory as part of a predisposition screen in an ostensibly healthy population. It had not been previously curated by ICSL or reported in the Human Gene Mutation Database (HGMD: prior to June 1st, 2018), and was therefore a candidate for classification through an automated scoring system. Utilizing variant allele frequency, disease prevalence and penetrance estimates, and inheritance mode, an automated score was calculated to assess if this variant is too frequent to cause the disease. Based on the score and internal cut-off values, a variant classified as benign is not then subjected to further curation. The score for this variant resulted in a classification of benign for this disease.

Illumina Laboratory Services, Illumina
Classification: Benign for Leigh syndrome. Last evaluated: 2018-01-13. Review status: criteria provided, single submitter. Criteria: ICSL Variant Classification Criteria 13 December 2019. Collection method: clinical testing. Allele origin: germline.
Comment: the same text as in the submission from Illumina Laboratory Services, Illumina above.

GeneDx
Classification: Benign. Last evaluated: 2016-03-01. Review status: criteria provided, single submitter. Criteria: GeneDx Variant Classification (06012015). Collection method: clinical testing. Allele origin: germline. Affected: yes.
Comment: This variant is considered likely benign or benign based on one or more of the following criteria: it is a conservative change, it occurs at a poorly conserved position in the protein, it is predicted to be benign by multiple in silico algorithms, and/or has population frequency not consistent with disease.

Ambry Genetics
Classification: Benign for Hereditary cancer-predisposing syndrome. Last evaluated: 2014-12-03. Review status: criteria provided, single submitter. Criteria: Ambry Variant Classification Scheme 2023. Collection method: clinical testing. Allele origin: germline.

Dr. Peter K. Rogan Lab, Western University
No classification provided (evidence only). Condition: Clear cell carcinoma of kidney. Review status: no classification provided. Collection method: in vitro. Allele origin: not applicable. Functional consequence: skipped exon. Not counted in ClinVar's aggregate classification.

Dr. Peter K. Rogan Lab, Western University
No classification provided (evidence only). Condition: Clear cell carcinoma of kidney. Review status: no classification provided. Collection method: in vitro. Allele origin: not applicable. Functional consequence: skipped exon, retained intron. Not counted in ClinVar's aggregate classification.

Dr. Peter K. Rogan Lab, Western University
No classification provided (evidence only). Condition: Clear cell carcinoma of kidney. Review status: no classification provided. Collection method: in vitro. Allele origin: not applicable. Functional consequence: skipped exon. Not counted in ClinVar's aggregate classification.

Dr. Peter K. Rogan Lab, Western University
No classification provided (evidence only). Condition: Lung cancer. Review status: no classification provided. Collection method: in vitro. Allele origin: not applicable. Functional consequence: retained intron. Not counted in ClinVar's aggregate classification.

Dr. Peter K. Rogan Lab, Western University
No classification provided (evidence only). Condition: Colon adenocarcinoma. Review status: no classification provided. Collection method: in vitro. Allele origin: not applicable. Functional consequence: skipped exon. Not counted in ClinVar's aggregate classification.

Dr. Peter K. Rogan Lab, Western University
No classification provided (evidence only). Condition: Thyroid cancer, nonmedullary, 1. Review status: no classification provided. Collection method: in vitro. Allele origin: not applicable. Functional consequence: skipped exon. Not counted in ClinVar's aggregate classification.

Dr. Peter K. Rogan Lab, Western University
No classification provided (evidence only). Condition: Uterine corpus endometrial carcinoma. Review status: no classification provided. Collection method: in vitro. Allele origin: not applicable. Functional consequence: skipped exon, retained intron. Not counted in ClinVar's aggregate classification.

Dr. Peter K. Rogan Lab, Western University
No classification provided (evidence only). Condition: Uterine corpus endometrial carcinoma. Review status: no classification provided. Collection method: in vitro. Allele origin: not applicable. Functional consequence: skipped exon. Not counted in ClinVar's aggregate classification.

Dr. Peter K. Rogan Lab, Western University
No classification provided (evidence only). Condition: Uterine corpus endometrial carcinoma. Review status: no classification provided. Collection method: in vitro. Allele origin: not applicable. Functional consequence: skipped exon. Not counted in ClinVar's aggregate classification.

NM_004168.4(SDHA):c.822C>T (p.Gly274=)

Gene: SDHA (succinate dehydrogenase complex flavoprotein subunit A; plus strand). Cytogenetic location: 5p15.33.
Variant type: single nucleotide variant.
Coding change: c.822C>T on transcript NM_004168.4 (MANE Select); coding-DNA position 822, C replaced by T.
Protein change: p.Gly274=; no amino-acid change (glycine 274 retained).
Molecular consequence: synonymous variant.
Genome position (GRCh38, 1-based): chr5:230,927, C>T. VCF-style: chr5-230927-C-T. GRCh37 (hg19) VCF-style: chr5-231042-C-T.
Other names: p.Gly274=; c.678C>T, p.Gly226= (NM_001294332.2); c.822C>T, p.Gly274= (NM_001330758.2).
Identifiers: ClinVar variation 224953 (VCV000224953.44), dbSNP rs34771391, ClinGen allele CA358575.
Genomic context (GRCh38, chr5:230,927, plus strand): 5'-TGTTTCCAGAGGCTACGGGCGCACCTACTTCAGCTGCACGTCTGCCCACACCAGCACTGG[C>T]GACGGCACGGCCATGATCACCAGGGCAGGCCTTCCTTGCCAGGACCTAGAGTTTGTTCAG-3'
Protein context (NP_004159.2, residues 264-284): FSCTSAHTST[Gly274=]DGTAMITRAG